The following is an entry in ClinVar:

NM_005121.3(MED13):c.2816A>G (p.Tyr939Cys)

Gene: MED13 (mediator complex subunit 13; minus strand). Cytogenetic location: 17q23.2.
Variant type: single nucleotide variant.
Coding change: c.2816A>G on transcript NM_005121.3 (MANE Select); coding-DNA position 2816, A replaced by G.
Protein change: p.Tyr939Cys; replaces tyrosine 939 with cysteine.
Molecular consequence: missense variant.
Genome position (GRCh38, 1-based): chr17:61,984,243, T>C on the plus strand (A>G on the coding strand, the complement: MED13 is on the minus strand). VCF-style: chr17-61984243-T-C. GRCh37 (hg19) VCF-style: chr17-60061604-T-C.
Other names: short protein forms Y939C.
Identifiers: ClinVar variation 5017204 (VCV005017204.1).

ClinVar aggregate classification (germline): Uncertain significance (1 of 4 stars; one submission).

Submission:

GeneDx
Classification: Uncertain significance. Last evaluated: 2026-03-25. Review status: criteria provided, single submitter. Criteria: GeneDx Variant Classification Process June 2021. Collection method: clinical testing. Allele origin: germline.
Comment: Not observed at significant frequency in large population cohorts (gnomAD); In silico analysis supports that this missense variant has a deleterious effect on protein structure/function; Has not been previously published as pathogenic or benign to our knowledge